The following is an entry in ClinVar:

NM_001458.5(FLNC):c.6521T>C (p.Leu2174Pro)

Genes: FLNC (filamin C; plus strand), FLNC-AS1 (FLNC antisense RNA 1; minus strand). Cytogenetic location: 7q32.1.
Variant type: single nucleotide variant.
Coding change: c.6521T>C on transcript NM_001458.5 (MANE Select); coding-DNA position 6521, T replaced by C.
Protein change: p.Leu2174Pro; replaces leucine 2174 with proline.
Molecular consequence: missense variant.
Genome position (GRCh38, 1-based): chr7:128,854,010, T>C. VCF-style: chr7-128854010-T-C. GRCh37 (hg19) VCF-style: chr7-128494064-T-C.
Other names: c.6422T>C, p.Leu2141Pro (NM_001127487.2); short protein forms L2174P, L2141P.
Identifiers: ClinVar variation 2107383 (VCV002107383.4), dbSNP rs2536663554, ClinGen allele CA369212744.

ClinVar aggregate classification (germline): Uncertain significance (1 of 4 stars; one submission).

Conditions:
Myofibrillar myopathy 5. Also called: Filaminopathy (type); FILAMINOPATHY, AUTOSOMAL DOMINANT. Identifiers: Orphanet 171445, MedGen C1836050, MONDO:0012289, OMIM 609524.
Distal myopathy with posterior leg and anterior hand involvement. Also called: WILLIAMS DISTAL MYOPATHY. Identifiers: Orphanet 63273, MedGen C3279722, MONDO:0013550, OMIM 614065.
Hypertrophic cardiomyopathy 26. Also called: Cardiomyopathy, familial hypertrophic, 26. Identifiers: Orphanet 75249, MedGen C4310749, MONDO:0014883, OMIM 617047.

Submission:

Labcorp Genetics (formerly Invitae), Labcorp
Classification: Uncertain significance for Distal myopathy with posterior leg and anterior hand involvement; Myofibrillar myopathy 5; Hypertrophic cardiomyopathy 26. Last evaluated: 2022-11-22. Review status: criteria provided, single submitter. Criteria: Invitae Variant Classification Sherloc (09022015). Collection method: clinical testing. Allele origin: germline.
Comment: This sequence change replaces leucine, which is neutral and non-polar, with proline, which is neutral and non-polar, at codon 2174 of the FLNC protein (p.Leu2174Pro). In summary, the available evidence is currently insufficient to determine the role of this variant in disease. Therefore, it has been classified as a Variant of Uncertain Significance. Algorithms developed to predict the effect of sequence changes on RNA splicing suggest that this variant may disrupt the consensus splice site. Algorithms developed to predict the effect of missense changes on protein structure and function are either unavailable or do not agree on the potential impact of this missense change (SIFT: "Deleterious"; PolyPhen-2: "Benign"; Align-GVGD: "Class C0"). This variant has not been reported in the literature in individuals affected with FLNC-related conditions. This variant is not present in population databases (gnomAD no frequency).